The following is an entry in ClinVar:

NM_000400.4(ERCC2):c.1359_1362del (p.Val454fs)

Gene: ERCC2 (ERCC excision repair 2, TFIIH core complex helicase subunit; minus strand). Cytogenetic location: 19q13.32.
Variant type: Deletion.
Coding change: c.1359_1362del on transcript NM_000400.4 (MANE Select); coding-DNA positions 1359 to 1362, 4 bases deleted (TGTC; older notation c.1359_1362delTGTC).
Protein change: p.Val454fs; shifts the reading frame from valine 454.
Molecular consequence: frameshift variant. On other transcripts: non-coding transcript variant (3).
Genome position (GRCh38, 1-based): chr19:45,357,489-45,357,492, GACA deleted on the plus strand (TGTC on the coding strand, the reverse complement: ERCC2 is on the minus strand); deleting any 4 consecutive bases within chr19:45,357,489-45,357,495 gives the same sequence; the c. name uses the placement nearest the transcript's 3' end. VCF-style (leftmost placement, unchanged base first): chr19-45357488-TGACA-T. GRCh37 (hg19) VCF-style: chr19-45860746-TGACA-T.
Other names: c.1287_1290del, p.Val430fs (NM_001440355.1); c.1281_1284del, p.Val428fs (NM_001440356.1); c.1236_1239del, p.Val413fs (NM_001440357.1); short protein forms V413fs, V428fs, V430fs, V454fs.
Identifiers: ClinVar variation 5014222 (VCV005014222.1).
Genomic context (GRCh38, chr19:45,357,488, plus strand): 5'-ATGGAGGGAGGTCAGGGACTAGGAGGGGACGGGGAAGGGTCCTTACCCCAGATGTGATGA[TGACA>T]GACTGGAAACGCTCAAATACGGGTTTGATGGCCAGCGAGGCGTCCATGCAGCTGGAGAGA-3'

ClinVar aggregate classification (germline): Pathogenic (1 of 4 stars; one submission).

Conditions:
ERCC2-related disorder. Also called: ERCC2-related conditions; ERCC2-related condition; ERCC2-related disorders. Identifiers: MedGen CN239291.

Submission:

Myriad Genetics, Inc.
Classification: Pathogenic for ERCC2-related disorder. Last evaluated: 2025-03-15. Review status: criteria provided, single submitter. Criteria: Myriad Autosomal Dominant, Autosomal Recessive and X-Linked Classification Criteria (2023). Collection method: clinical testing. Allele origin: unknown.
Comment: NM_000400.3(ERCC2):c.1359_1362delTGTC(V454Sfs*29) is expected to be pathogenic in the context of ERCC2-related disorders. This variant is predicted to lead to an abnormal or absent protein product due to the creation of a premature termination codon in ERCC2, a gene where loss-of-function variants are known to be pathogenic. Please note: this variant was assessed in the context of healthy population screening.